The following is an entry in ClinVar:

NM_001371928.1(AHDC1):c.1040G>A (p.Arg347His)

Gene: AHDC1 (AT-hook DNA binding motif containing 1; minus strand). Cytogenetic location: 1p36.11.
Variant type: single nucleotide variant.
Coding change: c.1040G>A on transcript NM_001371928.1 (MANE Select); coding-DNA position 1040, G replaced by A.
Protein change: p.Arg347His; replaces arginine 347 with histidine.
Molecular consequence: missense variant.
Genome position (GRCh38, 1-based): chr1:27,551,076, C>T on the plus strand (G>A on the coding strand, the complement: AHDC1 is on the minus strand). VCF-style: chr1-27551076-C-T. GRCh37 (hg19) VCF-style: chr1-27877587-C-T.
Other names: c.1040G>A, p.Arg347His (NM_001029882.3); c.1040G>A (NM_001029882.2); short protein forms R347H.
Identifiers: ClinVar variation 2972985 (VCV002972985.4), dbSNP rs762942974, ClinGen allele CA716031.

ClinVar aggregate classification (germline): Uncertain significance. Review status: criteria provided, multiple submitters, no conflicts (2 of 4 stars). 2 submissions from 2 submitters: Uncertain significance (2). Last evaluated 2025-06-26.

Conditions:
Inborn genetic diseases. Identifiers: MedGen C0950123, MeSH D030342.

Allele frequency attached by ClinVar (database versions not stated): TOPMed 0.00001; ExAC 0.00002; gnomAD exomes 0.00001.
gnomAD v4.1: 8 of 1,560,302 alleles (0.00051%); highest among the groups gnomAD compares: South Asian, 0.0012%; no homozygotes.

Submissions (2):

Labcorp Genetics (formerly Invitae), Labcorp
Classification: Uncertain significance. Last evaluated: 2025-06-26. Review status: criteria provided, single submitter. Criteria: Invitae Variant Classification Sherloc (09022015). Collection method: clinical testing. Allele origin: germline.
Comment: This sequence change replaces arginine, which is basic and polar, with histidine, which is basic and polar, at codon 347 of the AHDC1 protein (p.Arg347His). The frequency data for this variant in the population databases is considered unreliable, as metrics indicate poor data quality at this position in the gnomAD database. This variant has not been reported in the literature in individuals affected with AHDC1-related conditions. ClinVar contains an entry for this variant (Variation ID: 2972985). An algorithm developed to predict the effect of missense changes on protein structure and function outputs the following: PolyPhen-2: "Possibly Damaging". The histidine amino acid residue is found in multiple mammalian species, which suggests that this missense change does not adversely affect protein function. In summary, the available evidence is currently insufficient to determine the role of this variant in disease. Therefore, it has been classified as a Variant of Uncertain Significance.

Ambry Genetics
Classification: Uncertain significance for Inborn genetic diseases. Last evaluated: 2025-03-22. Review status: criteria provided, single submitter. Criteria: Ambry Variant Classification Scheme 2023. Collection method: clinical testing. Allele origin: germline.